The following is an entry in ClinVar:

NM_000350.3(ABCA4):c.5000A>G (p.Gln1667Arg)

Genes: ABCA4 (ATP binding cassette subfamily A member 4; minus strand), LOC126805793 (CDK7 strongly-dependent group 2 enhancer GRCh37_chr1:94486302-94487501; plus strand). Cytogenetic location: 1p22.1.
Variant type: single nucleotide variant.
Coding change: c.5000A>G on transcript NM_000350.3 (MANE Select); coding-DNA position 5000, A replaced by G.
Protein change: p.Gln1667Arg; replaces glutamine 1667 with arginine.
Molecular consequence: missense variant.
Genome position (GRCh38, 1-based): chr1:94,021,258, T>C on the plus strand (A>G on the coding strand, the complement: ABCA4 is on the minus strand). VCF-style: chr1-94021258-T-C. GRCh37 (hg19) VCF-style: chr1-94486814-T-C.
Other names: c.4778A>G, p.Gln1593Arg (NM_001425324.1); c.5000A>G (NM_000350.2); short protein forms Q1667R, Q1593R.
Identifiers: ClinVar variation 1516615 (VCV001516615.4), dbSNP rs779222611, ClinGen allele CA957413.

ClinVar aggregate classification (germline): Uncertain significance. Review status: criteria provided, multiple submitters, no conflicts (2 of 4 stars). 2 submissions from 2 submitters: Uncertain significance (2). Last evaluated 2025-05-13.

Conditions:
Inborn genetic diseases. Identifiers: MedGen C0950123, MeSH D030342.

Allele frequency attached by ClinVar (database versions not stated): ExAC 0.00001; gnomAD 0.00008 and 0.00007; gnomAD exomes 0.00001; TOPMed 0.00008.
gnomAD v4.1: 30 of 1,614,106 alleles (0.0019%); highest among the groups gnomAD compares: African/African-American, 0.031%; no homozygotes.

Submissions (2):

Ambry Genetics
Classification: Uncertain significance for Inborn genetic diseases. Last evaluated: 2025-05-13. Review status: criteria provided, single submitter. Criteria: Ambry Variant Classification Scheme 2023. Collection method: clinical testing. Allele origin: germline.

Labcorp Genetics (formerly Invitae), Labcorp
Classification: Uncertain significance. Last evaluated: 2021-09-14. Review status: criteria provided, single submitter. Criteria: Invitae Variant Classification Sherloc (09022015). Collection method: clinical testing. Allele origin: germline.
Comment: This sequence change replaces glutamine with arginine at codon 1667 of the ABCA4 protein (p.Gln1667Arg). The glutamine residue is highly conserved and there is a small physicochemical difference between glutamine and arginine. This variant is present in population databases (rs779222611, ExAC 0.01%). This variant has not been reported in the literature in individuals affected with ABCA4-related conditions. Advanced modeling of protein sequence and biophysical properties (such as structural, functional, and spatial information, amino acid conservation, physicochemical variation, residue mobility, and thermodynamic stability) performed at Invitae indicates that this missense variant is expected to disrupt ABCA4 protein function. In summary, the available evidence is currently insufficient to determine the role of this variant in disease. Therefore, it has been classified as a Variant of Uncertain Significance.